The following is an entry in ClinVar:

NM_001048174.2(MUTYH):c.461G>T (p.Arg154Leu)

Gene: MUTYH (mutY DNA glycosylase; minus strand). Cytogenetic location: 1p34.1.
Variant type: single nucleotide variant.
Coding change: c.461G>T on transcript NM_001048174.2 (MANE Select); coding-DNA position 461, G replaced by T.
Protein change: p.Arg154Leu; replaces arginine 154 with leucine.
Molecular consequence: missense variant. On other transcripts: non-coding transcript variant (2).
Genome position (GRCh38, 1-based): chr1:45,332,794, C>A on the plus strand (G>T on the coding strand, the complement: MUTYH is on the minus strand). VCF-style: chr1-45332794-C-A. GRCh37 (hg19) VCF-style: chr1-45798466-C-A.
Other names: c.461G>T, p.Arg154Leu (NM_001048171.2, NM_001048173.2, NM_001293195.2); c.464G>T, p.Arg155Leu (NM_001048172.2); c.545G>T, p.Arg182Leu (NM_001128425.2); c.506G>T, p.Arg169Leu (NM_001293190.2); c.494G>T, p.Arg165Leu (NM_001293191.2); c.185G>T, p.Arg62Leu (NM_001293192.2, NM_001293196.2); c.116G>T, p.Arg39Leu (NM_001350650.2, NM_001350651.2); c.536G>T, p.Arg179Leu (NM_012222.3); short protein forms R182L, R155L, R39L, R154L, R179L, R62L, R165L, R169L.
Identifiers: ClinVar variation 185441 (VCV000185441.29), dbSNP rs143353451, ClinGen allele CA013808.
Genomic context (GRCh38, chr1:45,332,794, plus strand): 5'-GGGTTCCTACCCTCCTGCCATCCCCTTACCTTCCGAGCTCCCTCCTGCAGCCGCCGGCCA[C>A]GAGAATAGTAGCCCAGGCCAGCCCAGAGTTGATTCACCTCCTGTGGGTAGGATCAGAGGT-3'
Protein context (NP_001041639.1, residues 144-164): QLWAGLGYYS[Arg154Leu]GRRLQEGARK

ClinVar aggregate classification (germline): Conflicting classifications of pathogenicity. Review status: criteria provided, conflicting classifications (1 of 4 stars). 8 submissions from 8 submitters: Pathogenic (1); Likely pathogenic (4); Uncertain significance (3). Last evaluated 2026-01-07.

Conditions:
Hereditary cancer-predisposing syndrome. Also called: Neoplastic Syndromes, Hereditary; Tumor predisposition; Hereditary Cancer Syndrome; Hereditary neoplastic syndrome. Identifiers: Orphanet 140162, MedGen C0027672, MeSH D009386, MONDO:0015356.
Familial adenomatous polyposis 2. Also called: Adenomas, multiple colorectal; COLORECTAL ADENOMATOUS POLYPOSIS, AUTOSOMAL RECESSIVE; ADENOMAS, MULTIPLE COLORECTAL, AUTOSOMAL RECESSIVE; MYH-associated polyposis; MUTYH Polyposis; FAP type 2. Identifiers: Orphanet 220460, Orphanet 247798, MedGen C3272841, MONDO:0012041, OMIM 608456.

Allele frequency attached by ClinVar (database versions not stated): ESP Exome Variant Server 0.00008; TOPMed 0.00001; gnomAD 0.00006.

Submissions (8):

Labcorp Genetics (formerly Invitae), Labcorp
Classification: Likely pathogenic for Familial adenomatous polyposis 2. Last evaluated: 2026-01-07. Review status: criteria provided, single submitter. Criteria: Invitae Variant Classification Sherloc (09022015). Collection method: clinical testing. Allele origin: germline.
Comment: This sequence change replaces arginine, which is basic and polar, with leucine, which is neutral and non-polar, at codon 182 of the MUTYH protein (p.Arg182Leu). This variant is present in population databases (rs143353451, gnomAD 0.02%). This missense change has been observed in individual(s) with clinical features of MUTYH-associated polyposis (internal data). In at least one individual the data is consistent with being in trans (on the opposite chromosome) from a pathogenic variant. ClinVar contains an entry for this variant (Variation ID: 185441). An algorithm developed to predict the effect of missense changes on protein structure and function (PolyPhen-2) suggests that this variant is likely to be disruptive. This variant disrupts the p.Arg182 amino acid residue in MUTYH. Other variant(s) that disrupt this residue have been determined to be pathogenic (PMID: 15236166, 16890597, 18091433, 18301448, 19279422, 20848659, 23322991, 25820570). This suggests that this residue is clinically significant, and that variants that disrupt this residue are likely to be disease-causing. In summary, the currently available evidence indicates that the variant is pathogenic, but additional data are needed to prove that conclusively. Therefore, this variant has been classified as Likely Pathogenic.

GeneDx
Classification: Likely pathogenic. Last evaluated: 2025-07-30. Review status: criteria provided, single submitter. Criteria: GeneDx Variant Classification Process June 2021. Collection method: clinical testing. Allele origin: germline. Affected: yes.
Comment: Not observed at significant frequency in large population cohorts (gnomAD); In silico analysis supports that this missense variant has a deleterious effect on protein structure/function; Has not been previously published as pathogenic or benign to our knowledge

Ambry Genetics
Classification: Pathogenic for Hereditary cancer-predisposing syndrome. Last evaluated: 2025-03-05. Review status: criteria provided, single submitter. Criteria: Ambry Variant Classification Scheme 2023. Collection method: clinical testing. Allele origin: germline.
Comment: The p.R182L variant (also known as c.545G>T), located in coding exon 7 of the MUTYH gene, results from a G to T substitution at nucleotide position 545. The arginine at codon 182 is replaced by leucine, an amino acid with dissimilar properties. This variant has been identified in in conjunction with other MUTYH variants in multiple individuals with features consistent with MUTYH-associated polyposis (Ambry internal data). This amino acid position is highly conserved in available vertebrate species. In addition, this alteration is predicted to be deleterious by in silico analysis. Based on the supporting evidence, this variant is interpreted as a disease-causing mutation.

Center for Genomic Medicine, Rigshospitalet, Copenhagen University Hospital
Classification: Uncertain significance. Last evaluated: 2025-03-04. Review status: criteria provided, single submitter. Criteria: ACMG Guidelines, 2015. Collection method: clinical testing. Allele origin: germline.

Women's Health and Genetics/Laboratory Corporation of America, LabCorp
Classification: Likely pathogenic for Familial adenomatous polyposis 2. Last evaluated: 2024-12-19. Review status: criteria provided, single submitter. Criteria: LabCorp Variant Classification Summary - May 2015. Collection method: clinical testing. Allele origin: germline.
Comment: Variant summary: MUTYH c.545G>T (p.Arg182Leu) results in a non-conservative amino acid change located in the HhH-GPD domain (IPR003265) of the encoded protein sequence. Five of five in-silico tools predict a damaging effect of the variant on protein function. Different variants affecting the same codon have been classified as pathogenic by our lab (c.544C>T, p.Arg182Cys and c.545G>A, p.Arg182His), supporting the critical relevance of codon 182 to MUTYH protein function. The variant allele was found at a frequency of 4e-06 in 251468 control chromosomes. The available data on variant occurrences in the general population are insufficient to allow any conclusion about variant significance. The following publication has been ascertained in the context of this evaluation (PMID: 33130102). ClinVar contains an entry for this variant (Variation ID: 185441). Based on the evidence outlined above, the variant was classified as likely pathogenic.

Color Diagnostics, LLC DBA Color Health
Classification: Likely pathogenic for Hereditary cancer-predisposing syndrome. Last evaluated: 2024-06-11. Review status: criteria provided, single submitter. Criteria: ACMG Guidelines, 2015. Collection method: clinical testing. Allele origin: germline.
Comment: This missense variant replaces arginine with leucine at codon 182 of the MUTYH protein. This variant is also known as c.503G>T (p.Arg168Leu) based on an alternative transcript, NM_001048171. Computational prediction suggests that this variant may have deleterious impact on protein structure and function To our knowledge, functional studies have not been reported for this variant. This variant has been reported with a second pathogenic variant in individuals affected with MUTYH-associated disease (ClinVar Accession: SCV000215551.7, SCV000938889.6). This variant has been identified in 3/282842 chromosomes in the general population by the Genome Aggregation Database (gnomAD). Two different missense variants at the same codon, p.Arg182Cys and p.Arg182His, are reported as disease-causing (ClinVar Variation ID: 182689, 187280). These two other missense variants have been reported in heterozygosity with a second pathogenic MUTYH variant in individuals affected with MUTYH-associated polyposis and/or colorectal cancer (PMID: 15366000, 16207212, 16557584, 16890597, 19394335, 20618354) and reported as loss-of-function in mutation suppressive activity and in vitro glycosylase activity assays (PMID: 20848659, 23322991). Based on the available evidence, this variant is classified as Likely Pathogenic.

Baylor Genetics
Classification: Uncertain significance for Familial adenomatous polyposis 2. Last evaluated: 2023-11-23. Review status: criteria provided, single submitter. Criteria: ACMG Guidelines, 2015. Collection method: clinical testing. Allele origin: unknown.

All of Us Research Program, National Institutes of Health
Classification: Uncertain significance for Familial adenomatous polyposis 2. Last evaluated: 2023-06-08. Review status: criteria provided, single submitter. Criteria: ACMG Guidelines, 2015. Collection method: clinical testing. Allele origin: germline. Inheritance: Autosomal recessive inheritance. Observed: 1 variant allele, 1 heterozygote.
Comment: This missense variant replaces arginine with leucine at codon 182 of the MUTYH protein. This variant is also known as c.503G>T (p.Arg168Leu) based on an alternative transcript, NM_001048171. Computational prediction suggests that this variant may have deleterious impact on protein structure and function (internally defined REVEL score threshold >= 0.7, PMID: 27666373). To our knowledge, functional studies have not been reported for this variant. However, two other missense variants at this codon have been reported as loss-of-function in mutation suppressive activity and in vitro glycosylase activity assays (PMID: 20848659, 23322991). This variant has not been reported in individuals affected with hereditary cancer in the literature. Two different missense variants at the same codon, p.Arg182Cys and p.Arg182His, are reported as disease-causing in ClinVar (variation ID: 182689, 187280). These two other missense variants have been reported in heterozygosity with a second pathogenic MUTYH variant in individuals affected with MUTYH-associated polyposis and/or colorectal cancer (PMID: 15366000, 16207212, 16557584, 16890597, 19394335, 20618354). This variant has been identified in 3/282842 chromosomes in the general population by the Genome Aggregation Database (gnomAD). The available evidence is insufficient to determine the role of this variant in disease conclusively. Therefore, this variant is classified as a Variant of Uncertain Significance.

This study involves interpretation of variants in research participants for the purpose of population health screening. Participant phenotype was not available at the time of variant classification. Additional details can be found in publication PMID: 35346344, PMCID: PMC8962531

Literature cited by the submitters: PubMed 15236166 (cited by Labcorp Genetics (formerly Invitae), Labcorp); PubMed 16890597 (cited by 3 submitters); PubMed 18091433 (cited by Labcorp Genetics (formerly Invitae), Labcorp); PubMed 18301448 (cited by Labcorp Genetics (formerly Invitae), Labcorp); PubMed 19279422 (cited by Labcorp Genetics (formerly Invitae), Labcorp); PubMed 20848659 (cited by 3 submitters); PubMed 23322991 (cited by 3 submitters); PubMed 25820570 (cited by Labcorp Genetics (formerly Invitae), Labcorp); PubMed 33130102 (cited by Women's Health and Genetics/Laboratory Corporation of America, LabCorp); PubMed 15366000 (cited by Color Diagnostics, LLC DBA Color Health and All of Us Research Program, National Institutes of Health); PubMed 16207212 (cited by Color Diagnostics, LLC DBA Color Health and All of Us Research Program, National Institutes of Health); PubMed 16557584 (cited by Color Diagnostics, LLC DBA Color Health and All of Us Research Program, National Institutes of Health); PubMed 19394335 (cited by Color Diagnostics, LLC DBA Color Health and All of Us Research Program, National Institutes of Health); PubMed 20618354 (cited by Color Diagnostics, LLC DBA Color Health and All of Us Research Program, National Institutes of Health).